The following is an entry in ClinVar:

NM_000094.4(COL7A1):c.3859G>C (p.Gly1287Arg)

Gene: COL7A1 (collagen type VII alpha 1 chain; minus strand). Cytogenetic location: 3p21.31.
Variant type: single nucleotide variant.
Coding change: c.3859G>C on transcript NM_000094.4 (MANE Select); coding-DNA position 3859, G replaced by C.
Protein change: p.Gly1287Arg; replaces glycine 1287 with arginine.
Molecular consequence: missense variant.
Genome position (GRCh38, 1-based): chr3:48,585,592, C>G on the plus strand (G>C on the coding strand, the complement: COL7A1 is on the minus strand). VCF-style: chr3-48585592-C-G. GRCh37 (hg19) VCF-style: chr3-48623025-C-G.
Other names: short protein forms G1287R.
Identifiers: ClinVar variation 5003913 (VCV005003913.1).
Genomic context (GRCh38, chr3:48,585,592, plus strand): 5'-AAACCTCGATGGTCTCCACACTCACCCTCTCGCCCTTGGCAGTGGCACTTCCAGGGGGCC[C>G]CTGGGGGCCGGGAGCACCGGTCCTGCCCTGAAAGAAGATAGCAGTTAGGTGGGGATAAGC-3'
Protein context (NP_000085.1, residues 1277-1297): PGRTGAPGPQ[Gly1287Arg]PPGSATAKGE

ClinVar aggregate classification (germline): Uncertain significance (1 of 4 stars; one submission).

Conditions:
Recessive dystrophic epidermolysis bullosa (RDEB). Also called: epidermolysis bullosa dystrophica, autosomal recessive; Epidermolysis Bullosa Distrophica Autosomal Recessive (RDEB); DYSTROPHIC EPIDERMOLYSIS BULLOSA, AUTOSOMAL RECESSIVE; EPIDERMOLYSIS BULLOSA DYSTROPHICA, HALLOPEAU-SIEMENS TYPE; Recessive DEB (RDEB); Hallopeau-Siemens Disease. Identifiers: Orphanet 79408, Orphanet 79409, MedGen C0079474, MONDO:0009179, OMIM 226600.

gnomAD v4.1: 2 of 1,613,964 alleles (0.00012%); highest among the groups gnomAD compares: Non-Finnish European, 0.00017%; no homozygotes.

Submission:

Myriad Genetics, Inc.
Classification: Uncertain significance for Recessive dystrophic epidermolysis bullosa. Last evaluated: 2026-08-03. Review status: criteria provided, single submitter. Criteria: Myriad Autosomal Dominant, Autosomal Recessive and X-Linked Classification Criteria (2023). Collection method: clinical testing. Allele origin: unknown.
Comment: NM_000094.3(COL7A1):c.3859G>C(G1287R) is a missense variant classified as a variant of uncertain significance in the context of dystrophic epidermolysis bullosa. G1287R has not been observed in cases with relevant disease. Relevant functional assessments of this variant are not available in the literature. Internal structural analysis of the variant is supportive of pathogenicity. G1287R has not been observed in referenced population frequency databases. In summary, there is insufficient evidence to classify NM_000094.3(COL7A1):c.3859G>C(G1287R) as pathogenic or benign. Please note: this variant was assessed in the context of healthy population screening.